The following is an entry in ClinVar:

ClinVar aggregate classification (germline): Uncertain significance (1 of 4 stars; one submission).

Conditions:
Early-infantile DEE. Also called: Ohtahara syndrome; Early infantile epileptic encephalopathy with suppression bursts; Early infantile epileptic encephalopathy. Identifiers: Orphanet 1934, MedGen C0393706, MONDO:0800491.

gnomAD v4.1: 2 of 1,613,956 alleles (0.00012%); highest among the groups gnomAD compares: Non-Finnish European, 0.00017%; no homozygotes.

Submission:

Labcorp Genetics (formerly Invitae), Labcorp
Classification: Uncertain significance for Early-infantile DEE. Last evaluated: 2024-02-14. Review status: criteria provided, single submitter. Criteria: Invitae Variant Classification Sherloc (09022015). Collection method: clinical testing. Allele origin: germline.
Comment: This sequence change replaces valine, which is neutral and non-polar, with methionine, which is neutral and non-polar, at codon 283 of the SCN8A protein (p.Val283Met). This variant is not present in population databases (gnomAD no frequency). This variant has not been reported in the literature in individuals affected with SCN8A-related conditions. ClinVar contains an entry for this variant (Variation ID: 1044885). Advanced modeling of protein sequence and biophysical properties (such as structural, functional, and spatial information, amino acid conservation, physicochemical variation, residue mobility, and thermodynamic stability) performed at Invitae indicates that this missense variant is not expected to disrupt SCN8A protein function with a negative predictive value of 95%. In summary, the available evidence is currently insufficient to determine the role of this variant in disease. Therefore, it has been classified as a Variant of Uncertain Significance.

NM_001330260.2(SCN8A):c.847G>A (p.Val283Met)

Gene: SCN8A (sodium voltage-gated channel alpha subunit 8; plus strand). Cytogenetic location: 12q13.13.
Variant type: single nucleotide variant.
Coding change: c.847G>A on transcript NM_001330260.2 (MANE Select); coding-DNA position 847, G replaced by A.
Protein change: p.Val283Met; replaces valine 283 with methionine.
Molecular consequence: missense variant.
Genome position (GRCh38, 1-based): chr12:51,699,710, G>A. VCF-style: chr12-51699710-G-A. GRCh37 (hg19) VCF-style: chr12-52093494-G-A.
Other names: c.847G>A, p.Val283Met (NM_001177984.3, NM_001369788.1, NM_014191.4); short protein forms V283M.
Identifiers: ClinVar variation 1044885 (VCV001044885.9), dbSNP rs775342033, ClinGen allele CA385226653.